The following is an entry in ClinVar:

NM_000051.4(ATM):c.6637A>G (p.Lys2213Glu)

Genes: ATM (ATM serine/threonine kinase; plus strand), C11orf65 (chromosome 11 open reading frame 65; minus strand). Cytogenetic location: 11q22.3.
Variant type: single nucleotide variant.
Coding change: c.6637A>G on transcript NM_000051.4 (MANE Select); coding-DNA position 6637, A replaced by G.
Protein change: p.Lys2213Glu; replaces lysine 2213 with glutamic acid.
Molecular consequence: missense variant. On other transcripts: intron variant (2).
Genome position (GRCh38, 1-based): chr11:108,325,374, A>G. VCF-style: chr11-108325374-A-G. GRCh37 (hg19) VCF-style: chr11-108196101-A-G.
Other names: c.6637A>G, p.Lys2213Glu (NM_001351834.2); c.641-16303T>C (NM_001330368.2); c.*38+9846T>C (NM_001351110.2); short protein forms K2213E.
Identifiers: ClinVar variation 1754595 (VCV001754595.2), dbSNP rs2136309883, ClinGen allele CA382554785.
Genomic context (GRCh38, chr11:108,325,374, plus strand): 5'-GTCACACATAGACAACTCTCTGAAGTATATATTAAGTGGCAGAAACACTCCCAGCTTCTC[A>G]AGGACAGTGATTTTAGTTTTCAGGAGCCTATCATGGCTCTACGCACAGTCATTTTGGAGA-3'
Protein context (NP_000042.3, residues 2203-2223): IKWQKHSQLL[Lys2213Glu]DSDFSFQEPI

ClinVar aggregate classification (germline): Uncertain significance (1 of 4 stars; one submission).

Conditions:
Hereditary cancer-predisposing syndrome. Also called: Hereditary neoplastic syndrome; Neoplastic Syndromes, Hereditary; Tumor predisposition; Hereditary Cancer Syndrome. Identifiers: Orphanet 140162, MedGen C0027672, MeSH D009386, MONDO:0015356.

Submission:

Ambry Genetics
Classification: Uncertain significance for Hereditary cancer-predisposing syndrome. Last evaluated: 2021-01-27. Review status: criteria provided, single submitter. Criteria: Ambry Variant Classification Scheme 2023. Collection method: clinical testing. Allele origin: germline.
Comment: The p.K2213E variant (also known as c.6637A>G), located in coding exon 45 of the ATM gene, results from an A to G substitution at nucleotide position 6637. The lysine at codon 2213 is replaced by glutamic acid, an amino acid with similar properties. This amino acid position is not well conserved in available vertebrate species. In addition, this alteration is predicted to be tolerated by in silico analysis. Since supporting evidence is limited at this time, the clinical significance of this alteration remains unclear.